The following is an entry in ClinVar:

ClinVar aggregate classification (germline): Pathogenic. Review status: criteria provided, multiple submitters, no conflicts (2 of 4 stars). 3 submissions from 3 submitters: Pathogenic (3). Last evaluated 2025-01-06.

Conditions:
Finnish congenital nephrotic syndrome (NPHS1). Also called: NEPHROTIC SYNDROME, TYPE 1. Identifiers: Orphanet 839, MedGen C0403399, MONDO:0009732, OMIM 256300.

Submissions (3):

Women's Health and Genetics/Laboratory Corporation of America, LabCorp
Classification: Pathogenic for Finnish congenital nephrotic syndrome. Last evaluated: 2025-01-06. Review status: criteria provided, single submitter. Criteria: LabCorp Variant Classification Summary - May 2015. Collection method: clinical testing. Allele origin: germline.
Comment: Variant summary: NPHS1 c.2326delG (p.Glu776ArgfsX71) results in a premature termination codon, predicted to cause a truncation of the encoded protein or absence of the protein due to nonsense mediated decay, which are commonly known mechanisms for disease. The variant was absent in 251488 control chromosomes. To our knowledge, no occurrence of c.2326delG in individuals affected with Nephrotic Syndrome, Type 1 and no experimental evidence demonstrating its impact on protein function have been reported. ClinVar contains an entry for this variant (Variation ID: 2999671). Based on the evidence outlined above, the variant was classified as pathogenic.

Myriad Genetics, Inc.
Classification: Pathogenic for Finnish congenital nephrotic syndrome. Last evaluated: 2024-01-21. Review status: criteria provided, single submitter. Criteria: Myriad Autosomal Dominant, Autosomal Recessive and X-Linked Classification Criteria (2023). Collection method: clinical testing. Allele origin: unknown.
Comment: NM_004646.3(NPHS1):c.2326delG(E776Rfs*71) is expected to be pathogenic in the context of nephrotic syndrome, NPHS1-related. This variant is predicted to lead to an abnormal or absent protein product due to the creation of a premature termination codon in NPHS1, a gene where loss-of-function variants are known to be pathogenic. Please note: this variant was assessed in the context of healthy population screening.

Labcorp Genetics (formerly Invitae), Labcorp
Classification: Pathogenic. Last evaluated: 2023-04-26. Review status: criteria provided, single submitter. Criteria: Invitae Variant Classification Sherloc (09022015). Collection method: clinical testing. Allele origin: germline.
Comment: For these reasons, this variant has been classified as Pathogenic. This variant has not been reported in the literature in individuals affected with NPHS1-related conditions. This variant is not present in population databases (gnomAD no frequency). This sequence change creates a premature translational stop signal (p.Glu776Argfs*71) in the NPHS1 gene. It is expected to result in an absent or disrupted protein product. Loss-of-function variants in NPHS1 are known to be pathogenic (PMID: 11317351, 11854170, 12039988).

Literature cited by the submitters: PubMed 11317351 (cited by Labcorp Genetics (formerly Invitae), Labcorp); PubMed 11854170 (cited by Labcorp Genetics (formerly Invitae), Labcorp); PubMed 12039988 (cited by Labcorp Genetics (formerly Invitae), Labcorp).

NM_004646.4(NPHS1):c.2326del (p.Glu776fs)

Gene: NPHS1 (NPHS1 adhesion molecule, nephrin; minus strand). Cytogenetic location: 19q13.12.
Variant type: Deletion.
Coding change: c.2326del on transcript NM_004646.4 (MANE Select); coding-DNA position 2326, one base deleted (G; older notation c.2326delG).
Protein change: p.Glu776fs; shifts the reading frame from glutamic acid 776.
Molecular consequence: frameshift variant.
Genome position (GRCh38, 1-based): chr19:35,843,480, C deleted on the plus strand (G on the coding strand, the reverse complement: NPHS1 is on the minus strand); the first of 3 consecutive C bases (chr19:35,843,480-35,843,482); deleting any one gives the same sequence. VCF-style (leftmost placement, unchanged base first): chr19-35843479-TC-T. GRCh37 (hg19) VCF-style: chr19-36334381-TC-T.
Other names: c.2326delG (NM_004646.4); short protein forms E776fs.
Identifiers: ClinVar variation 2999671 (VCV002999671.6), dbSNP rs2513770468, ClinGen allele CA2584602482.